The following is an entry in ClinVar:

NM_001142.2(AMELX):c.279C>T (p.Pro93=)

Genes: AMELX (amelogenin X-linked; plus strand), ARHGAP6 (Rho GTPase activating protein 6; minus strand). Cytogenetic location: Xp22.2.
Variant type: single nucleotide variant.
Coding change: c.279C>T on transcript NM_001142.2 (MANE Select); coding-DNA position 279, C replaced by T.
Protein change: p.Pro93=; no amino-acid change (proline 93 retained).
Molecular consequence: synonymous variant. On other transcripts: intron variant (3).
Genome position (GRCh38, 1-based): chrX:11,298,682, C>T. VCF-style: chrX-11298682-C-T. GRCh37 (hg19) VCF-style: chrX-11316802-C-T.
Other names: c.321C>T, p.Pro107= (NM_182680.1); c.231C>T, p.Pro77= (NM_182681.1); c.589-43975G>A (NM_013427.3, NM_006125.3); c.49-43975G>A (NM_001287242.2).
Identifiers: ClinVar variation 2659989 (VCV002659989.24), dbSNP rs765306052, ClinGen allele CA10348505.

ClinVar aggregate classification (germline): Likely benign (1 of 4 stars; one submission).

Allele frequency attached by ClinVar (database versions not stated): gnomAD exomes 0.00008; gnomAD 0.00009; ExAC 0.00015; TOPMed 0.00004.
gnomAD v4.1: 91 of 1,208,482 alleles (0.0075%); highest among the groups gnomAD compares: East Asian, 0.15%; no homozygotes.

Submission:

CeGaT Center for Human Genetics Tuebingen
Classification: Likely benign. Last evaluated: 2022-03-01. Review status: criteria provided, single submitter. Criteria: CeGaT Center For Human Genetics Tuebingen Variant Classification Criteria Version 2. Collection method: clinical testing. Allele origin: germline. Affected: yes. Observed: 1 variant allele.
Comment: AMELX: BP4, BP7